The following is an entry in ClinVar:

NM_207361.6(FREM2):c.6835del (p.Gln2279fs)

Gene: FREM2 (FRAS1 related extracellular matrix 2; plus strand). Cytogenetic location: 13q13.3.
Variant type: Deletion.
Coding change: c.6835del on transcript NM_207361.6 (MANE Select); coding-DNA position 6835, one base deleted (C; older notation c.6835delC).
Protein change: p.Gln2279fs; shifts the reading frame from glutamine 2279.
Molecular consequence: frameshift variant.
Genome position (GRCh38, 1-based): chr13:38,851,778, C deleted; the last of 2 consecutive C bases (chr13:38,851,777-38,851,778); deleting either gives the same sequence. VCF-style (leftmost placement, unchanged base first): chr13-38851776-GC-G. GRCh37 (hg19) VCF-style: chr13-39425913-GC-G.
Other names: c.6835delC (NM_207361.6); short protein forms Q2279fs.
Identifiers: ClinVar variation 4849448 (VCV004849448.1).

ClinVar aggregate classification (germline): Likely pathogenic (1 of 4 stars; one submission).

Conditions:
Isolated cryptophthalmia. Also called: Cryptophthalmos, unilateral or bilateral, isolated; ANKYLOBLEPHARON, SIMPLE. Identifiers: Orphanet 91396, MedGen C1852453, MONDO:0007410, OMIM 123570.
Fraser syndrome 2 (FRASRS2). Identifiers: MedGen C4540036, MONDO:0054738, OMIM 617666.

Submission:

First Genomix Gene Laboratory, Genetic Diagnostics Department
Classification: Likely pathogenic for Fraser syndrome 2; Isolated cryptophthalmia. Last evaluated: 2025-06-04. Review status: criteria provided, single submitter. Criteria: ACMG Guidelines, 2015. Collection method: clinical testing. Allele origin: germline. Inheritance: Autosomal recessive inheritance. Affected: no.